The following is an entry in ClinVar:

ClinVar aggregate classification (germline): Pathogenic (1 of 4 stars; one submission).

Conditions:
Parathyroid carcinoma (PRTC). Also called: Parathyroid gland carcinoma; CDC73-Related Parathyroid Carcinoma. Identifiers: Orphanet 143, MedGen C0687150, MONDO:0012004, OMIM 608266, HP:0006780.

Allele frequency attached by ClinVar (database versions not stated): gnomAD exomes below 0.00001 and 0.00001; ExAC 0.00001.
gnomAD v4.1: 2 of 1,593,008 alleles (0.00013%); highest among the groups gnomAD compares: Non-Finnish European, 0.000086%; no homozygotes.

Submission:

Labcorp Genetics (formerly Invitae), Labcorp
Classification: Pathogenic for Parathyroid carcinoma. Last evaluated: 2024-07-23. Review status: criteria provided, single submitter. Criteria: Invitae Variant Classification Sherloc (09022015). Collection method: clinical testing. Allele origin: germline.
Comment: This sequence change creates a premature translational stop signal (p.Arg358*) in the CDC73 gene. It is expected to result in an absent or disrupted protein product. Loss-of-function variants in CDC73 are known to be pathogenic (PMID: 12434154). This variant is present in population databases (rs771907995, gnomAD 0.002%). This variant has not been reported in the literature in individuals affected with CDC73-related conditions. ClinVar contains an entry for this variant (Variation ID: 1388879). For these reasons, this variant has been classified as Pathogenic.

Literature cited by the submitters: PubMed 12434154.

NM_024529.5(CDC73):c.1072C>T (p.Arg358Ter)

Gene: CDC73 (cell division cycle 73; plus strand). Cytogenetic location: 1q31.2.
Variant type: single nucleotide variant.
Coding change: c.1072C>T on transcript NM_024529.5 (MANE Select); coding-DNA position 1072, C replaced by T.
Protein change: p.Arg358Ter; replaces arginine 358 with a stop codon.
Molecular consequence: nonsense.
Genome position (GRCh38, 1-based): chr1:193,212,395, C>T. VCF-style: chr1-193212395-C-T. GRCh37 (hg19) VCF-style: chr1-193181525-C-T.
Other names: short protein forms R358*.
Identifiers: ClinVar variation 1388879 (VCV001388879.6), dbSNP rs771907995, ClinGen allele CA1303765.